The following is an entry in ClinVar:

ClinVar aggregate classification (germline): Uncertain significance. Review status: criteria provided, multiple submitters, no conflicts (2 of 4 stars). 2 submissions from 2 submitters: Uncertain significance (2). Last evaluated 2024-12-02.

Conditions:
ATP2B2-related disorder. Also called: ATP2B2-related condition.

Allele frequency attached by ClinVar (database versions not stated): gnomAD exomes below 0.00001; gnomAD 0.00001; TOPMed 0.00001; ExAC 0.00002.
gnomAD v4.1: 9 of 1,614,158 alleles (0.00056%); highest among the groups gnomAD compares: Admixed American, 0.013%; no homozygotes.

Submissions (2):

PreventionGenetics, part of Exact Sciences
Classification: Uncertain significance for ATP2B2-related condition. Last evaluated: 2024-12-02. Review status: criteria provided, single submitter. Criteria: ACMG Guidelines, 2015. Collection method: clinical testing. Allele origin: germline.
Comment: The ATP2B2 c.79A>G variant is predicted to result in the amino acid substitution p.Thr27Ala. To our knowledge, this variant has not been reported in the literature. This variant is reported in 0.017% of alleles in individuals of Latino descent in gnomAD. At this time, the clinical significance of this variant is uncertain due to the absence of conclusive functional and genetic evidence.

Labcorp Genetics (formerly Invitae), Labcorp
Classification: Uncertain significance. Last evaluated: 2022-04-01. Review status: criteria provided, single submitter. Criteria: Invitae Variant Classification Sherloc (09022015). Collection method: clinical testing. Allele origin: germline.
Comment: This variant has not been reported in the literature in individuals affected with ATP2B2-related conditions. This variant is present in population databases (rs762290443, gnomAD 0.01%). This sequence change replaces threonine, which is neutral and polar, with alanine, which is neutral and non-polar, at codon 27 of the ATP2B2 protein (p.Thr27Ala). Advanced modeling of protein sequence and biophysical properties (such as structural, functional, and spatial information, amino acid conservation, physicochemical variation, residue mobility, and thermodynamic stability) performed at Invitae indicates that this missense variant is not expected to disrupt ATP2B2 protein function. In summary, the available evidence is currently insufficient to determine the role of this variant in disease. Therefore, it has been classified as a Variant of Uncertain Significance.

NM_001001331.4(ATP2B2):c.79A>G (p.Thr27Ala)

Gene: ATP2B2 (ATPase plasma membrane Ca2+ transporting 2; minus strand). Cytogenetic location: 3p25.3.
Variant type: single nucleotide variant.
Coding change: c.79A>G on transcript NM_001001331.4 (MANE Select); coding-DNA position 79, A replaced by G.
Protein change: p.Thr27Ala; replaces threonine 27 with alanine.
Molecular consequence: missense variant.
Genome position (GRCh38, 1-based): chr3:10,449,465, T>C on the plus strand (A>G on the coding strand, the complement: ATP2B2 is on the minus strand). VCF-style: chr3-10449465-T-C. GRCh37 (hg19) VCF-style: chr3-10491149-T-C.
Other names: c.79A>G, p.Thr27Ala (NM_001330611.3, NM_001353564.1, NM_001363862.1 and 1 more transcripts); c.79A>G (NM_001683.3); short protein forms T27A.
Identifiers: ClinVar variation 2183205 (VCV002183205.5), dbSNP rs762290443, ClinGen allele CA2254112.